The following is an entry in ClinVar:

ClinVar aggregate classification (germline): Uncertain significance. Review status: criteria provided, multiple submitters, no conflicts (2 of 4 stars). 2 submissions from 2 submitters: Uncertain significance (2). Last evaluated 2025-08-19.

Conditions:
Hereditary cancer-predisposing syndrome. Also called: Tumor predisposition; Hereditary Cancer Syndrome; Neoplastic Syndromes, Hereditary; Hereditary neoplastic syndrome. Identifiers: Orphanet 140162, MedGen C0027672, MeSH D009386, MONDO:0015356.

Submissions (2):

Ambry Genetics
Classification: Uncertain significance for Hereditary cancer-predisposing syndrome. Last evaluated: 2025-08-19. Review status: criteria provided, single submitter. Criteria: Ambry Variant Classification Scheme 2023. Collection method: clinical testing. Allele origin: germline.
Comment: The c.1106+3G>C intronic variant results from a G to C substitution 3 nucleotides after coding exon 11 in the POLE gene. This nucleotide position is not well conserved in available vertebrate species. In silico splice site analysis predicts that this alteration will not have any significant effect on splicing. Based on the available evidence, the clinical significance of this variant remains unclear.

Labcorp Genetics (formerly Invitae), Labcorp
Classification: Uncertain significance. Last evaluated: 2024-06-19. Review status: criteria provided, single submitter. Criteria: Invitae Variant Classification Sherloc (09022015). Collection method: clinical testing. Allele origin: germline.
Comment: This sequence change falls in intron 11 of the POLE gene. It does not directly change the encoded amino acid sequence of the POLE protein. It affects a nucleotide within the consensus splice site. This variant is not present in population databases (gnomAD no frequency). This variant has not been reported in the literature in individuals affected with POLE-related conditions. ClinVar contains an entry for this variant (Variation ID: 1793664). Variants that disrupt the consensus splice site are a relatively common cause of aberrant splicing (PMID: 17576681, 9536098). Algorithms developed to predict the effect of sequence changes on RNA splicing suggest that this variant may disrupt the consensus splice site. In summary, the available evidence is currently insufficient to determine the role of this variant in disease. Therefore, it has been classified as a Variant of Uncertain Significance.

Literature cited by the submitters: PubMed 17576681 (cited by Labcorp Genetics (formerly Invitae), Labcorp); PubMed 9536098 (cited by Labcorp Genetics (formerly Invitae), Labcorp).

NM_006231.4(POLE):c.1106+3G>C

Gene: POLE (DNA polymerase epsilon, catalytic subunit; minus strand). Cytogenetic location: 12q24.33.
Variant type: single nucleotide variant.
Coding change: c.1106+3G>C on transcript NM_006231.4 (MANE Select); 3 bases into the intron after coding-DNA position 1106, G replaced by C.
Molecular consequence: intron variant.
Genome position (GRCh38, 1-based): chr12:132,675,732, C>G on the plus strand (G>C on the coding strand, the complement: POLE is on the minus strand). VCF-style: chr12-132675732-C-G. GRCh37 (hg19) VCF-style: chr12-133252318-C-G.
Identifiers: ClinVar variation 1793664 (VCV001793664.8), dbSNP rs2136010888, ClinGen allele CA2580086107.